The following is an entry in ClinVar:

ClinVar aggregate classification (germline): Uncertain significance. Review status: criteria provided, multiple submitters, no conflicts (2 of 4 stars). 2 submissions from 2 submitters: Uncertain significance (2). Last evaluated 2026-01-12.

Conditions:
Inborn genetic diseases. Identifiers: MedGen C0950123, MeSH D030342.

Allele frequency attached by ClinVar (database versions not stated): gnomAD 0.00007 and 0.00010; TOPMed 0.00008; gnomAD exomes 0.00009 and 0.00016; ExAC 0.00013.

Submissions (2):

Labcorp Genetics (formerly Invitae), Labcorp
Classification: Uncertain significance. Last evaluated: 2026-01-12. Review status: criteria provided, single submitter. Criteria: Invitae Variant Classification Sherloc (09022015). Collection method: clinical testing. Allele origin: germline.
Comment: This sequence change replaces arginine, which is basic and polar, with histidine, which is basic and polar, at codon 385 of the DONSON protein (p.Arg385His). This variant is present in population databases (rs750390868, gnomAD 0.09%). This variant has not been reported in the literature in individuals affected with DONSON-related conditions. ClinVar contains an entry for this variant (Variation ID: 1502931). An algorithm developed to predict the effect of missense changes on protein structure and function outputs the following: PolyPhen-2: "Benign". The histidine amino acid residue is found in multiple mammalian species, which suggests that this missense change does not adversely affect protein function. In summary, the available evidence is currently insufficient to determine the role of this variant in disease. Therefore, it has been classified as a Variant of Uncertain Significance.

Ambry Genetics
Classification: Uncertain significance for Inborn genetic diseases. Last evaluated: 2021-06-21. Review status: criteria provided, single submitter. Criteria: Ambry Variant Classification Scheme 2023. Collection method: clinical testing. Allele origin: germline.

NM_017613.4(DONSON):c.1154G>A (p.Arg385His)

Gene: DONSON (DNA replication fork stabilization factor DONSON; minus strand). Cytogenetic location: 21q22.11.
Variant type: single nucleotide variant.
Coding change: c.1154G>A on transcript NM_017613.4 (MANE Select); coding-DNA position 1154, G replaced by A.
Protein change: p.Arg385His; replaces arginine 385 with histidine.
Molecular consequence: missense variant.
Genome position (GRCh38, 1-based): chr21:33,581,498, C>T on the plus strand (G>A on the coding strand, the complement: DONSON is on the minus strand). VCF-style: chr21-33581498-C-T. GRCh37 (hg19) VCF-style: chr21-34953804-C-T.
Other names: c.1154G>A (NM_017613.2); short protein forms R385H.
Identifiers: ClinVar variation 1502931 (VCV001502931.6), dbSNP rs750390868, ClinGen allele CA10010383.